The following is an entry in ClinVar:

NC_000018.9:g.(?_7079954)_(7080476_?)del

Gene: LAMA1 (laminin subunit alpha 1; minus strand). Cytogenetic location: 18p11.31.
Variant type: Deletion.
Identifiers: ClinVar variation 2425366 (VCV002425366.4).

ClinVar aggregate classification (germline): Pathogenic (1 of 4 stars; one submission).

Submission:

Labcorp Genetics (formerly Invitae), Labcorp
Classification: Pathogenic. Last evaluated: 2022-07-20. Review status: criteria provided, single submitter. Criteria: Invitae Variant Classification Sherloc (09022015). Collection method: clinical testing. Allele origin: germline.
Comment: For these reasons, this variant has been classified as Pathogenic. This variant has not been reported in the literature in individuals affected with LAMA1-related conditions. This variant is a gross deletion of the genomic region encompassing exon(s) 2-3 of the LAMA1 gene. This deletion is out-of-frame, and is expected to create a premature termination codon and result in an absent or disrupted protein product. Loss-of-function variants in LAMA1 are known to be pathogenic (PMID: 25105227, 26932191).

Literature cited by the submitters: PubMed 25105227; PubMed 26932191.